The following is an entry in ClinVar:

NM_004046.6(ATP5F1A):c.1214G>A (p.Arg405His)

Gene: ATP5F1A (ATP synthase F1 subunit alpha; minus strand). Cytogenetic location: 18q21.1.
Variant type: single nucleotide variant.
Coding change: c.1214G>A on transcript NM_004046.6 (MANE Select); coding-DNA position 1214, G replaced by A.
Protein change: p.Arg405His; replaces arginine 405 with histidine.
Molecular consequence: missense variant.
Genome position (GRCh38, 1-based): chr18:46,086,457, C>T on the plus strand (G>A on the coding strand, the complement: ATP5F1A is on the minus strand). VCF-style: chr18-46086457-C-T. GRCh37 (hg19) VCF-style: chr18-43666423-C-T.
Other names: c.1064G>A, p.Arg355His (NM_001001935.3, NM_001257335.2); c.1214G>A, p.Arg405His (NM_001001937.2); c.1148G>A, p.Arg383His (NM_001257334.2); short protein forms R355H, R383H, R405H.
Identifiers: ClinVar variation 1682744 (VCV001682744.6), dbSNP rs375873918, ClinGen allele CA299766678.

ClinVar aggregate classification (germline): Uncertain significance (1 of 4 stars; one submission).

Allele frequency attached by ClinVar (database versions not stated): gnomAD exomes below 0.00001 and 0.00001; TOPMed below 0.00001; gnomAD 0.00001; ESP Exome Variant Server 0.00008.

Submission:

Labcorp Genetics (formerly Invitae), Labcorp
Classification: Uncertain significance. Last evaluated: 2023-01-18. Review status: criteria provided, single submitter. Criteria: Invitae Variant Classification Sherloc (09022015). Collection method: clinical testing. Allele origin: germline.
Comment: In summary, the available evidence is currently insufficient to determine the role of this variant in disease. Therefore, it has been classified as a Variant of Uncertain Significance. Advanced modeling of protein sequence and biophysical properties (such as structural, functional, and spatial information, amino acid conservation, physicochemical variation, residue mobility, and thermodynamic stability) performed at Invitae indicates that this missense variant is expected to disrupt ATP5A1 protein function. ClinVar contains an entry for this variant (Variation ID: 1682744). This variant has not been reported in the literature in individuals affected with ATP5A1-related conditions. This variant is present in population databases (rs375873918, gnomAD 0.0009%). This sequence change replaces arginine, which is basic and polar, with histidine, which is basic and polar, at codon 405 of the ATP5A1 protein (p.Arg405His).